The following is an entry in ClinVar:

ClinVar aggregate classification (germline): Conflicting classifications of pathogenicity. Review status: criteria provided, conflicting classifications (1 of 4 stars). 3 submissions from 3 submitters: Uncertain significance (1); Likely benign (2). Last evaluated 2026-07-23.

Conditions:
Dilated cardiomyopathy 1G (CMD1G). Identifiers: Orphanet 154, MedGen C1858763, MONDO:0011400, OMIM 604145.
Autosomal recessive limb-girdle muscular dystrophy type 2J (LGMDR10). Also called: MUSCULAR DYSTROPHY, LIMB-GIRDLE, AUTOSOMAL RECESSIVE 10; Limb-girdle muscular dystrophy, type 2J. Identifiers: Orphanet 140922, MedGen C1837342, MONDO:0012127, OMIM 608807.
TTN-related disorder. Also called: TTN-related disorders; TTN-related condition; TTN-related disease.

Allele frequency attached by ClinVar (database versions not stated): gnomAD exomes below 0.00001; TOPMed below 0.00001; gnomAD 0.00001.
gnomAD v4.1: 2 of 1,614,042 alleles (0.00012%); highest among the groups gnomAD compares: Admixed American, 0.0017%; no homozygotes.

Submissions (3):

PreventionGenetics, part of Exact Sciences
Classification: Likely benign for TTN-related condition. Last evaluated: 2026-07-23. Review status: criteria provided, single submitter. Criteria: ACMG Guidelines, 2015. Collection method: clinical testing. Allele origin: germline.
Comment: This variant is classified as likely benign based on ACMG/AMP sequence variant interpretation guidelines (Richards et al. 2015 PMID: 25741868, with internal and published modifications).

Labcorp Genetics (formerly Invitae), Labcorp
Classification: Likely benign for Dilated cardiomyopathy 1G; Autosomal recessive limb-girdle muscular dystrophy type 2J. Last evaluated: 2025-11-27. Review status: criteria provided, single submitter. Criteria: Invitae Variant Classification Sherloc (09022015). Collection method: clinical testing. Allele origin: germline.

Revvity Omics, Revvity
Classification: Uncertain significance. Last evaluated: 2019-12-18. Review status: criteria provided, single submitter. Criteria: ACMG Guidelines, 2015. Collection method: clinical testing. Allele origin: germline.

NM_001267550.2(TTN):c.8532A>C (p.Ser2844=)

Gene: TTN (titin; minus strand). Cytogenetic location: 2q31.2.
Variant type: single nucleotide variant.
Coding change: c.8532A>C on transcript NM_001267550.2 (MANE Select); coding-DNA position 8532, A replaced by C.
Protein change: p.Ser2844=; no amino-acid change (serine 2844 retained).
Molecular consequence: synonymous variant.
Genome position (GRCh38, 1-based): chr2:178,770,169, T>G on the plus strand (A>C on the coding strand, the complement: TTN is on the minus strand). VCF-style: chr2-178770169-T-G. GRCh37 (hg19) VCF-style: chr2-179634896-T-G.
Other names: c.8532A>C, p.Ser2844= (NM_001256850.1, NM_133378.4, NM_133379.5); c.8394A>C, p.Ser2798= (NM_003319.4, NM_133432.3, NM_133437.4).
Identifiers: ClinVar variation 2108486 (VCV002108486.8), dbSNP rs957431303, ClinGen allele CA61003543.